The following is an entry in ClinVar:

NM_006790.3(MYOT):c.1412T>G (p.Leu471Trp)

Genes: MYOT (myotilin; plus strand), PKD2L2-DT (PKD2L2 divergent transcript; minus strand). Cytogenetic location: 5q31.2.
Variant type: single nucleotide variant.
Coding change: c.1412T>G on transcript NM_006790.3 (MANE Select); coding-DNA position 1412, T replaced by G.
Protein change: p.Leu471Trp; replaces leucine 471 with tryptophan.
Molecular consequence: missense variant.
Genome position (GRCh38, 1-based): chr5:137,887,300, T>G. VCF-style: chr5-137887300-T-G. GRCh37 (hg19) VCF-style: chr5-137222989-T-G.
Other names: c.860T>G, p.Leu287Trp (NM_001135940.2); c.1067T>G, p.Leu356Trp (NM_001300911.2); short protein forms L287W, L356W, L471W.
Identifiers: ClinVar variation 4848311 (VCV004848311.1).

ClinVar aggregate classification (germline): Uncertain significance (1 of 4 stars; one submission).

Submission:

Women's Health and Genetics/Laboratory Corporation of America, LabCorp
Classification: Uncertain significance. Last evaluated: 2026-02-17. Review status: criteria provided, single submitter. Criteria: LabCorp Variant Classification Summary - May 2015. Collection method: clinical testing. Allele origin: germline.
Comment: Variant summary: MYOT c.1412T>G (p.Leu471Trp) results in a non-conservative amino acid change in the encoded protein sequence. Algorithms developed to predict the effect of missense changes on protein structure and function all suggest that this variant is likely to be disruptive. The variant was absent in 251440 control chromosomes. The available data on variant occurrences in the general population are insufficient to allow any conclusion about variant significance. To our knowledge, no occurrence of c.1412T>G in individuals affected with MYOT-related conditions and no experimental evidence demonstrating its impact on protein function have been reported. No submitters have cited clinical-significance assessments for this variant to ClinVar. Based on the evidence outlined above, the variant was classified as uncertain significance.